The following is an entry in ClinVar:

NM_000860.6(HPGD):c.373del (p.Gln125fs)

Gene: HPGD (15-hydroxyprostaglandin dehydrogenase; minus strand). Cytogenetic location: 4q34.1.
Variant type: Deletion.
Coding change: c.373del on transcript NM_000860.6 (MANE Select); coding-DNA position 373, one base deleted (C; older notation c.373delC).
Protein change: p.Gln125fs; shifts the reading frame from glutamine 125.
Molecular consequence: frameshift variant. On other transcripts: intron variant (1).
Genome position (GRCh38, 1-based): chr4:174,508,744, G deleted on the plus strand (C on the coding strand, the reverse complement: HPGD is on the minus strand). VCF-style (leftmost placement, unchanged base first): chr4-174508743-TG-T. GRCh37 (hg19) VCF-style: chr4-175429894-TG-T.
Other names: c.373del, p.Gln125fs (NM_001145816.3, NM_001256305.2, NM_001363574.2); c.10del, p.Gln4fs (NM_001256301.1, NM_001256307.2); c.218-13120del (NM_001256306.2); short protein forms Q125fs, Q4fs.
Identifiers: ClinVar variation 2002334 (VCV002002334.4), dbSNP rs1735312842, ClinGen allele CA1514295480.

ClinVar aggregate classification (germline): Pathogenic (1 of 4 stars; one submission).

Allele frequency attached by ClinVar (database versions not stated): gnomAD exomes below 0.00001; TOPMed 0.00001.

Submission:

Labcorp Genetics (formerly Invitae), Labcorp
Classification: Pathogenic. Last evaluated: 2025-10-02. Review status: criteria provided, single submitter. Criteria: Invitae Variant Classification Sherloc (09022015). Collection method: clinical testing. Allele origin: germline.
Comment: This sequence change creates a premature translational stop signal (p.Gln125Lysfs*15) in the HPGD gene. It is expected to result in an absent or disrupted protein product. Loss-of-function variants in HPGD are known to be pathogenic (PMID: 18500342, 19568269, 24533558, 24816859). This variant is not present in population databases (gnomAD no frequency). This variant has not been reported in the literature in individuals affected with HPGD-related conditions. ClinVar contains an entry for this variant (Variation ID: 2002334). For these reasons, this variant has been classified as Pathogenic.

Literature cited by the submitters: PubMed 18500342; PubMed 19568269; PubMed 24533558; PubMed 24816859.